The following is an entry in ClinVar:

ClinVar aggregate classification (germline): Uncertain significance (1 of 4 stars; one submission).

Submission:

GeneDx
Classification: Uncertain significance. Last evaluated: 2024-05-15. Review status: criteria provided, single submitter. Criteria: GeneDx Variant Classification Process June 2021. Collection method: clinical testing. Allele origin: germline. Affected: yes.
Comment: Not observed at significant frequency in large population cohorts (gnomAD); In silico analysis supports that this missense variant has a deleterious effect on protein structure/function; Has not been previously published as pathogenic or benign to our knowledge

NM_001379403.1(WDR26):c.1133C>A (p.Ser378Tyr)

Gene: WDR26 (WD repeat domain 26; minus strand). Cytogenetic location: 1q42.12.
Variant type: single nucleotide variant.
Coding change: c.1133C>A on transcript NM_001379403.1 (MANE Select); coding-DNA position 1133, C replaced by A.
Protein change: p.Ser378Tyr; replaces serine 378 with tyrosine.
Molecular consequence: missense variant.
Genome position (GRCh38, 1-based): chr1:224,419,547, G>T on the plus strand (C>A on the coding strand, the complement: WDR26 is on the minus strand). VCF-style: chr1-224419547-G-T. GRCh37 (hg19) VCF-style: chr1-224607249-G-T.
Other names: c.785C>A, p.Ser262Tyr (NM_001115113.3); c.833C>A, p.Ser278Tyr (NM_025160.7); short protein forms S262Y, S278Y, S378Y.
Identifiers: ClinVar variation 3377893 (VCV003377893.1).